The following is an entry in ClinVar:

ClinVar aggregate classification (germline): Uncertain significance (1 of 4 stars; one submission).

Conditions:
Familial thoracic aortic aneurysm and aortic dissection (TAAD). Also called: Thoracic aortic aneurysms and dissections. Identifiers: Orphanet 91387, MedGen C4707243, MONDO:0019625.

Submission:

Ambry Genetics
Classification: Uncertain significance for Familial thoracic aortic aneurysm and aortic dissection. Last evaluated: 2026-08-29. Review status: criteria provided, single submitter. Criteria: Ambry Variant Classification Scheme 2023. Collection method: clinical testing. Allele origin: germline.
Comment: The p.S540L variant (also known as c.1619C>T), located in coding exon 13 of the COL5A1 gene, results from a C to T substitution at nucleotide position 1619. The serine at codon 540 is replaced by leucine, an amino acid with dissimilar properties. This amino acid position is conserved. In addition, this alteration is predicted to be deleterious by in silico analysis. Based on the available evidence, the clinical significance of this variant remains unclear.

NM_000093.5(COL5A1):c.1619C>T (p.Ser540Leu)

Gene: COL5A1 (collagen type V alpha 1 chain; plus strand). Cytogenetic location: 9q34.3.
Variant type: single nucleotide variant.
Coding change: c.1619C>T on transcript NM_000093.5 (MANE Select); coding-DNA position 1619, C replaced by T.
Protein change: p.Ser540Leu; replaces serine 540 with leucine.
Molecular consequence: missense variant.
Genome position (GRCh38, 1-based): chr9:134,750,839, C>T. VCF-style: chr9-134750839-C-T. GRCh37 (hg19) VCF-style: chr9-137642685-C-T.
Other names: c.1619C>T, p.Ser540Leu (NM_001278074.1); short protein forms S540L.
Identifiers: ClinVar variation 5034823 (VCV005034823.1).